The following is an entry in ClinVar:

NM_015570.4(AUTS2):c.1100_1101dup (p.Thr368fs)

Gene: AUTS2 (activator of transcription and developmental regulator AUTS2; plus strand). Cytogenetic location: 7q11.22.
Variant type: Duplication.
Coding change: c.1100_1101dup on transcript NM_015570.4 (MANE Select); coding-DNA positions 1100 to 1101, 2 bases duplicated (CC; older notation c.1100_1101dupCC).
Protein change: p.Thr368fs; shifts the reading frame from threonine 368.
Molecular consequence: frameshift variant.
Genome position (GRCh38, 1-based): chr7:70,763,227-70,763,228, CC duplicated; duplicating any 2 consecutive bases within chr7:70,763,224-70,763,228 gives the same sequence; the c. name uses the placement nearest the transcript's 3' end. VCF-style (leftmost placement, unchanged base first): chr7-70763223-T-TCC. GRCh37 (hg19) VCF-style: chr7-70228209-T-TCC.
Other names: c.1100_1101dup, p.Thr368fs (NM_001127231.3); short protein forms T368fs.
Identifiers: ClinVar variation 817899 (VCV000817899.1), dbSNP rs1585646282, ClinGen allele CA915944933.

ClinVar aggregate classification (germline): Likely pathogenic (1 of 4 stars; one submission).

Submission:

GeneDx
Classification: Likely pathogenic. Last evaluated: 2018-11-27. Review status: criteria provided, single submitter. Criteria: GeneDx Variant Classification (06012015). Collection method: clinical testing. Allele origin: germline. Affected: yes.
Comment: The c.1100_1101dupCC variant in the AUTS2 gene has not been reported previously as a pathogenic variant nor as a benign variant, to our knowledge. The c.1100_1101dupCC variant causes a frameshift starting with codon Threonine 368, changes this amino acid to a Proline residue, and creates a premature Stop codon at position 33 of the new reading frame, denoted p.Thr368ProfsX33. This variant is predicted to cause loss of normal protein function either through protein truncation or nonsense-mediated mRNA decay. The c.1100_1101dupCC variant is not observed in large population cohorts (Lek et al., 2016). We interpret c.1100_1101dupCC as a likely pathogenic variant.